The following is an entry in ClinVar:

ClinVar aggregate classification (germline): Pathogenic (1 of 4 stars; one submission).

Conditions:
Hereditary cancer-predisposing syndrome. Also called: Neoplastic Syndromes, Hereditary; Hereditary Cancer Syndrome; Hereditary neoplastic syndrome; Tumor predisposition. Identifiers: Orphanet 140162, MedGen C0027672, MeSH D009386, MONDO:0015356.

Submission:

Ambry Genetics
Classification: Pathogenic for Hereditary cancer-predisposing syndrome. Last evaluated: 2023-05-24. Review status: criteria provided, single submitter. Criteria: Ambry Variant Classification Scheme 2023. Collection method: clinical testing. Allele origin: germline.
Comment: The c.2168delG pathogenic mutation, located in coding exon 10 of the BRCA2 gene, results from a deletion of one nucleotide at nucleotide position 2168, causing a translational frameshift with a predicted alternate stop codon (p.S723Tfs*7). This variant is considered to be rare based on population cohorts in the Genome Aggregation Database (gnomAD). This alteration is expected to result in loss of function by premature protein truncation or nonsense-mediated mRNA decay. As such, this alteration is interpreted as a disease-causing mutation.

NM_000059.4(BRCA2):c.2168del (p.Ser723fs)

Gene: BRCA2 (BRCA2 DNA repair associated; plus strand). Cytogenetic location: 13q13.1.
Variant type: Deletion.
Coding change: c.2168del on transcript NM_000059.4 (MANE Select); coding-DNA position 2168, one base deleted (G; older notation c.2168delG).
Protein change: p.Ser723fs; shifts the reading frame from serine 723.
Molecular consequence: frameshift variant. On other transcripts: non-coding transcript variant (1), intron variant (2).
Genome position (GRCh38, 1-based): chr13:32,336,523, G deleted. VCF-style (leftmost placement, unchanged base first): chr13-32336522-AG-A. GRCh37 (hg19) VCF-style: chr13-32910659-AG-A.
Other names: c.2168del, p.Ser723fs (NM_001406719.1, NM_001406720.1); c.1909+3136del (NM_001406721.1); c.424+5493del (NM_001406722.1); short protein forms S723fs.
Identifiers: ClinVar variation 2566029 (VCV002566029.2), dbSNP rs2548523317, ClinGen allele CA2580614651.
Genomic context (GRCh38, chr13:32,336,522, plus strand): 5'-ACCCCAGAAGCTGATTCTCTGTCATGCCTGCAGGAAGGACAGTGTGAAAATGATCCAAAA[AG>A]CAAAAAAGTTTCAGATATAAAAGAAGAGGTCTTGGCTGCAGCATGTCACCCAGTACAACA-3'